The following is an entry in ClinVar:

ClinVar aggregate classification (germline): Uncertain significance. Review status: criteria provided, multiple submitters, no conflicts (2 of 4 stars). 3 submissions from 3 submitters: Uncertain significance (3). Last evaluated 2025-03-30.

Conditions:
Congenital contractural arachnodactyly (CCA). Also called: BEALS SYNDROME; Beals-Hecht syndrome; Arthrogryposis, distal, type 9. Identifiers: Orphanet 115, MedGen C0220668, MONDO:0007363, OMIM 121050.
Macular degeneration, early-onset (EOMD). Identifiers: MedGen C4015286, MONDO:0014501, OMIM 616118.

gnomAD v4.1: 4 of 1,613,964 alleles (0.00025%); highest among the groups gnomAD compares: South Asian, 0.0011%; no homozygotes.

Submissions (3):

Labcorp Genetics (formerly Invitae), Labcorp
Classification: Uncertain significance for Congenital contractural arachnodactyly. Last evaluated: 2025-03-30. Review status: criteria provided, single submitter. Criteria: Invitae Variant Classification Sherloc (09022015). Collection method: clinical testing. Allele origin: germline.
Comment: This sequence change replaces arginine, which is basic and polar, with cysteine, which is neutral and slightly polar, at codon 2195 of the FBN2 protein (p.Arg2195Cys). This variant is present in population databases (no rsID available, gnomAD 0.003%). This missense change has been observed in individual(s) with thoracic aortic aneurysm (internal data). ClinVar contains an entry for this variant (Variation ID: 350767). Invitae Evidence Modeling of protein sequence and biophysical properties (such as structural, functional, and spatial information, amino acid conservation, physicochemical variation, residue mobility, and thermodynamic stability) has been performed for this missense variant. However, the output from this modeling did not meet the statistical confidence thresholds required to predict the impact of this variant on FBN2 protein function. In summary, the available evidence is currently insufficient to determine the role of this variant in disease. Therefore, it has been classified as a Variant of Uncertain Significance.

Fulgent Genetics
Classification: Uncertain significance for Congenital contractural arachnodactyly; Macular degeneration, early-onset. Last evaluated: 2022-05-20. Review status: criteria provided, single submitter. Criteria: ACMG Guidelines, 2015. Collection method: clinical testing. Allele origin: unknown.

Illumina Laboratory Services, Illumina
Classification: Uncertain significance for Congenital contractural arachnodactyly. Last evaluated: 2018-01-13. Review status: criteria provided, single submitter. Criteria: ICSL Variant Classification Criteria 13 December 2019. Collection method: clinical testing. Allele origin: germline.

NM_001999.4(FBN2):c.6583C>T (p.Arg2195Cys)

Gene: FBN2 (fibrillin 2; minus strand). Cytogenetic location: 5q23.3.
Variant type: single nucleotide variant.
Coding change: c.6583C>T on transcript NM_001999.4 (MANE Select); coding-DNA position 6583, C replaced by T.
Protein change: p.Arg2195Cys; replaces arginine 2195 with cysteine.
Molecular consequence: missense variant.
Genome position (GRCh38, 1-based): chr5:128,289,181, G>A on the plus strand (C>T on the coding strand, the complement: FBN2 is on the minus strand). VCF-style: chr5-128289181-G-A. GRCh37 (hg19) VCF-style: chr5-127624873-G-A.
Other names: short protein forms R2195C.
Identifiers: ClinVar variation 350767 (VCV000350767.7), dbSNP rs886059896, ClinGen allele CA10622578.